The following is an entry in ClinVar:

NM_004817.4(TJP2):c.2961G>A (p.Pro987=)

Gene: TJP2 (tight junction protein 2; plus strand). Cytogenetic location: 9q21.11.
Variant type: single nucleotide variant.
Coding change: c.2961G>A on transcript NM_004817.4 (MANE Select); coding-DNA position 2961, G replaced by A.
Protein change: p.Pro987=; no amino-acid change (proline 987 retained).
Molecular consequence: synonymous variant. On other transcripts: intron variant (6).
Genome position (GRCh38, 1-based): chr9:69,249,455, G>A. VCF-style: chr9-69249455-G-A. GRCh37 (hg19) VCF-style: chr9-71864371-G-A.
Other names: c.2961G>A, p.Pro987= (LRG_1201t1); c.3054G>A, p.Pro1018= (NM_001170416.2); c.2886G>A, p.Pro962= (NM_001369870.1); c.2892G>A, p.Pro964= (NM_001369871.1); c.2973G>A, p.Pro991= (NM_001369875.1); c.2811+1231G>A (NM_001170414.2); c.2880+1231G>A (NM_201629.3, NM_001369872.1); c.2668-1580G>A (NM_001369873.1); and 1 more.
Identifiers: ClinVar variation 597921 (VCV000597921.12), dbSNP rs371617466, ClinGen allele CA5073835.
Genomic context (GRCh38, chr9:69,249,455, plus strand): 5'-AGAGCCACGAGCTCAGATGAGGAGGGCTGCTAGCAGCGATCAACTTAGGGACAATAGCCC[G>A]CCCCCAGCATTCAAGCCAGAGCCGCCCAAGGTACGTGGCTGGGAAGCCCAGGATGGGAAG-3'
Protein context (NP_004808.2, residues 977-997): ASSDQLRDNS[Pro987=]PPAFKPEPPK

ClinVar aggregate classification (germline): Conflicting classifications of pathogenicity. Review status: criteria provided, conflicting classifications (1 of 4 stars). 5 submissions from 5 submitters: Uncertain significance (1); Likely benign (3). 1 of the submissions does not count toward it. Last evaluated 2025-12-16.

Conditions:
TJP2-related disorder. Also called: TJP2-related condition.

Allele frequency attached by ClinVar (database versions not stated): ExAC 0.00006; gnomAD exomes 0.00007; gnomAD 0.00009 and 0.00010; TOPMed 0.00011; ESP Exome Variant Server 0.00023.
gnomAD v4.1: 182 of 1,609,332 alleles (0.011%); highest among the groups gnomAD compares: Non-Finnish European, 0.015%; no homozygotes.

Submissions (5):

Labcorp Genetics (formerly Invitae), Labcorp
Classification: Likely benign. Last evaluated: 2025-12-16. Review status: criteria provided, single submitter. Criteria: Invitae Variant Classification Sherloc (09022015). Collection method: clinical testing. Allele origin: germline.

Blueprint Genetics
Classification: Likely benign. Last evaluated: 2022-04-20. Review status: criteria provided, single submitter. Criteria: ACMG Guidelines, 2015. Collection method: clinical testing. Allele origin: germline.

GeneDx
Classification: Likely benign. Last evaluated: 2020-11-17. Review status: criteria provided, single submitter. Criteria: GeneDx Variant Classification Process June 2021. Collection method: clinical testing. Allele origin: germline. Affected: yes.

Eurofins Ntd Llc (ga)
Classification: Uncertain significance. Last evaluated: 2018-07-13. Review status: criteria provided, single submitter. Criteria: EGL ClinVar v180209 classification definitions. Collection method: clinical testing. Allele origin: germline. Observed: 1 variant allele, 1 heterozygote.

PreventionGenetics, part of Exact Sciences
Classification: Likely benign for TJP2-related condition. Last evaluated: 2022-01-21. Review status: no assertion criteria provided. Collection method: clinical testing. Allele origin: germline. Not counted in ClinVar's aggregate classification.
Comment: This variant is classified as likely benign based on ACMG/AMP sequence variant interpretation guidelines (Richards et al. 2015 PMID: 25741868, with internal and published modifications).